The following is an entry in ClinVar:

NM_014714.4(IFT140):c.25A>C (p.Ile9Leu)

Genes: IFT140 (intraflagellar transport 140; minus strand), LOC105371046 (uncharacterized LOC105371046; plus strand). Cytogenetic location: 16p13.3.
Variant type: single nucleotide variant.
Coding change: c.25A>C on transcript NM_014714.4 (MANE Select); coding-DNA position 25, A replaced by C.
Protein change: p.Ile9Leu; replaces isoleucine 9 with leucine.
Molecular consequence: missense variant.
Genome position (GRCh38, 1-based): chr16:1,607,242, T>G on the plus strand (A>C on the coding strand, the complement: IFT140 is on the minus strand). VCF-style: chr16-1607242-T-G. GRCh37 (hg19) VCF-style: chr16-1657243-T-G.
Other names: short protein forms I9L.
Identifiers: ClinVar variation 1713988 (VCV001713988.5), dbSNP rs750743503, ClinGen allele CA394194844.

ClinVar aggregate classification (germline): Uncertain significance (1 of 4 stars; one submission).

Conditions:
Saldino-Mainzer syndrome (SRTD9). Also called: CONORENAL SYNDROME; short-rib thoracic dysplasia 9 with or without polydactyly; Renal dysplasia, retinal pigmentary dystrophy, cerebellar ataxia and skeletal dysplasia; SHORT-RIB THORACIC DYSPLASIA 9 WITHOUT POLYDACTYLY. Identifiers: Orphanet 140969, MedGen C1849437, MONDO:0009964, OMIM 266920.

Submission:

Labcorp Genetics (formerly Invitae), Labcorp
Classification: Uncertain significance for Saldino-Mainzer syndrome. Last evaluated: 2025-02-03. Review status: criteria provided, single submitter. Criteria: Invitae Variant Classification Sherloc (09022015). Collection method: clinical testing. Allele origin: germline.
Comment: This sequence change replaces isoleucine, which is neutral and non-polar, with leucine, which is neutral and non-polar, at codon 9 of the IFT140 protein (p.Ile9Leu). This variant is not present in population databases (gnomAD no frequency). This variant has not been reported in the literature in individuals affected with IFT140-related conditions. ClinVar contains an entry for this variant (Variation ID: 1713988). Invitae Evidence Modeling of protein sequence and biophysical properties (such as structural, functional, and spatial information, amino acid conservation, physicochemical variation, residue mobility, and thermodynamic stability) indicates that this missense variant is not expected to disrupt IFT140 protein function with a negative predictive value of 95%. In summary, the available evidence is currently insufficient to determine the role of this variant in disease. Therefore, it has been classified as a Variant of Uncertain Significance.